The following is an entry in ClinVar:

NM_000059.4(BRCA2):c.1909+21_1909+22del

Gene: BRCA2 (BRCA2 DNA repair associated; plus strand). Cytogenetic location: 13q13.1.
Variant type: Deletion.
Coding change: c.1909+21_1909+22del on transcript NM_000059.4 (MANE Select); bases 21 to 22 of the intron after coding-DNA position 1909, 2 bases deleted (TT; older notation c.1909+21_1909+22delTT).
Molecular consequence: intron variant.
Genome position (GRCh38, 1-based): chr13:32,333,408-32,333,409, TT deleted; deleting any 2 consecutive bases within chr13:32,333,399-32,333,409 gives the same sequence; the c. name uses the placement nearest the transcript's 3' end. VCF-style (leftmost placement, unchanged base first): chr13-32333398-CTT-C. GRCh37 (hg19) VCF-style: chr13-32907535-CTT-C.
Other names: c.1909+21_1909+22del (NM_001406720.1, NM_001406719.1, NM_001406721.1); c.424+2378_424+2379del (NM_001406722.1); c.1909+21_1909+22delTT (NM_000059.4).
Identifiers: ClinVar variation 2691924 (VCV002691924.5), dbSNP rs276174816, ClinGen allele CA6940548.
Genomic context (GRCh38, chr13:32,333,398, plus strand): 5'-TGAAGCAAATGCTTTTGAAGCACCACTTACATTTGCAAATGCTGATTCAGGTACCTCTGT[CTT>C]TTTTTTTTTGTAAATAGTACATATAGTTTTATAGATGACGATTCCTTCTGTGTTTTTTTC-3'

ClinVar aggregate classification (germline): Benign. Review status: criteria provided, multiple submitters, no conflicts (2 of 4 stars). 2 submissions from 2 submitters: Benign (2). Last evaluated 2025-03-04.
ClinVar aggregate classification (somatic clinical impact): Tier III - Unknown. Review status: no assertion criteria provided (0 of 4 stars). 8 submissions from 1 submitter.

Conditions:
Hereditary breast ovarian cancer syndrome. Also called: Breast and ovarian cancer; Hereditary breast and/or ovarian cancer syndrome; BRCA1- and BRCA2-Associated Hereditary Breast and Ovarian Cancer; Hereditary breast and ovarian cancer syndrome; Hereditary breast and ovarian cancer; Hereditary breast and ovarian cancer syndrome (HBOC). Identifiers: Orphanet 145, MedGen C0677776, MeSH D061325, MONDO:0003582. Disease mechanism: loss of function.
Hereditary diffuse gastric adenocarcinoma (HDGC). Also called: DIFFUSE GASTRIC AND LOBULAR BREAST CANCER SYNDROME. Identifiers: Orphanet 26106, MedGen C1708349, MONDO:0007648, OMIM 137215.
Spindle cell sarcoma. Identifiers: MedGen C0205945, MeSH D012509, MONDO:0002927.
Familial cancer of breast. Also called: BREAST CANCER, FAMILIAL; Hereditary breast cancer; hereditary breast carcinoma. Identifiers: Orphanet 227535, MedGen C0346153, MONDO:0016419, OMIM 114480. Disease mechanism: loss of function.
Adenoid cystic carcinoma. Also called: Adenocystic carcinoma. Identifiers: MedGen C0010606, MeSH D003528, MONDO:0004971.
Desmoid disease, hereditary (DESMD). Also called: FIBROMATOSIS, FAMILIAL INFILTRATIVE. Identifiers: Orphanet 873, MedGen C1851124, OMIM 135290. Disease mechanism: loss of function.
Lung cancer. Also called: Malignant tumor of lung; Lung cancer, somatic. Identifiers: MedGen C0242379, MONDO:0008903, OMIM 211980.
Colorectal cancer. Also called: Colorectal cancer, somatic; Malignant Colorectal Neoplasm. Identifiers: MedGen C0346629, MONDO:0005575, OMIM 114500.
Glioma susceptibility 1 (GLM1). Also called: Glioblastoma, somatic. Identifiers: MedGen C2750850, MONDO:0024498, OMIM 137800.

Submissions (10):

Center for Genomic Medicine, Rigshospitalet, Copenhagen University Hospital
Classification: Benign. Last evaluated: 2025-03-04. Review status: criteria provided, single submitter. Criteria: ACMG Guidelines, 2015. Collection method: clinical testing. Allele origin: germline.

Labcorp Genetics (formerly Invitae), Labcorp
Classification: Benign for Hereditary breast ovarian cancer syndrome. Last evaluated: 2024-04-16. Review status: criteria provided, single submitter. Criteria: Invitae Variant Classification Sherloc (09022015). Collection method: clinical testing. Allele origin: germline.

Faculté Pluridciplinaire Nador, Université Mohamed Premier
Classification: Tier III - Unknown for Lung cancer. Review status: no assertion criteria provided. Collection method: research. Allele origin: somatic. Affected: yes.
Comment: The following databases and algorithms are used to annotate and evaluate the impact of the variant in the context of human disease: 1000 genomes, gnomAD, ClinVar, OMIM, dbSNP, NCIB RefSeq Genes, ExAC Gene Constraints, VS-SIFT, VS-PolyPhen2, PhyloP, GERP++, GeneSplicer, MaxEntScan, NNSplice, PWM Splice Predictor.

Faculté Pluridciplinaire Nador, Université Mohamed Premier
Classification: Tier III - Unknown for Glioma susceptibility 1. Review status: no assertion criteria provided. Collection method: research. Allele origin: somatic. Affected: yes.
Comment: the same text as in the submission from Faculté Pluridciplinaire Nador, Université Mohamed Premier above.

Faculté Pluridciplinaire Nador, Université Mohamed Premier
Classification: Tier III - Unknown for Colorectal cancer. Review status: no assertion criteria provided. Collection method: research. Allele origin: somatic. Affected: yes.
Comment: the same text as in the submission from Faculté Pluridciplinaire Nador, Université Mohamed Premier above.

Faculté Pluridciplinaire Nador, Université Mohamed Premier
Classification: Tier III - Unknown for Spindle cell sarcoma. Review status: no assertion criteria provided. Collection method: research. Allele origin: somatic. Affected: yes.
Comment: the same text as in the submission from Faculté Pluridciplinaire Nador, Université Mohamed Premier above.

Faculté Pluridciplinaire Nador, Université Mohamed Premier
Classification: Tier III - Unknown for Adenoid cystic carcinoma. Review status: no assertion criteria provided. Collection method: research. Allele origin: somatic. Affected: yes.
Comment: the same text as in the submission from Faculté Pluridciplinaire Nador, Université Mohamed Premier above.

Faculté Pluridciplinaire Nador, Université Mohamed Premier
Classification: Tier III - Unknown for Hereditary diffuse gastric adenocarcinoma. Review status: no assertion criteria provided. Collection method: research. Allele origin: somatic. Affected: yes.
Comment: the same text as in the submission from Faculté Pluridciplinaire Nador, Université Mohamed Premier above.

Faculté Pluridciplinaire Nador, Université Mohamed Premier
Classification: Tier III - Unknown for Desmoid disease, hereditary. Review status: no assertion criteria provided. Collection method: research. Allele origin: somatic. Affected: yes.
Comment: the same text as in the submission from Faculté Pluridciplinaire Nador, Université Mohamed Premier above.

Faculté Pluridciplinaire Nador, Université Mohamed Premier
Classification: Tier III - Unknown for Familial cancer of breast. Review status: no assertion criteria provided. Collection method: research. Allele origin: somatic. Affected: yes.
Comment: the same text as in the submission from Faculté Pluridciplinaire Nador, Université Mohamed Premier above.